The following is an entry in ClinVar:

NM_000455.5(STK11):c.344A>G (p.Asp115Gly)

Gene: STK11 (serine/threonine kinase 11; plus strand). Cytogenetic location: 19p13.3.
Variant type: single nucleotide variant.
Coding change: c.344A>G on transcript NM_000455.5 (MANE Select); coding-DNA position 344, A replaced by G.
Protein change: p.Asp115Gly; replaces aspartic acid 115 with glycine.
Molecular consequence: missense variant.
Genome position (GRCh38, 1-based): chr19:1,218,470, A>G. VCF-style: chr19-1218470-A-G. GRCh37 (hg19) VCF-style: chr19-1218469-A-G.
Other names: c.344A>G, p.Asp115Gly (NM_001407255.1); short protein forms D115G.
Identifiers: ClinVar variation 2422047 (VCV002422047.6), dbSNP rs2145420736, ClinGen allele CA402947789.

ClinVar aggregate classification (germline): Uncertain significance (1 of 4 stars; one submission).

Conditions:
Peutz-Jeghers syndrome (PJS). Also called: POLYPOSIS, HAMARTOMATOUS INTESTINAL; POLYPS-AND-SPOTS SYNDROME; Peutz-Jeghers polyposis; Periorificial lentiginosis syndrome. Identifiers: Orphanet 2869, MedGen C0031269, MeSH D010580, MONDO:0008280, OMIM 175200.

Submission:

Labcorp Genetics (formerly Invitae), Labcorp
Classification: Uncertain significance for Peutz-Jeghers syndrome. Last evaluated: 2022-06-26. Review status: criteria provided, single submitter. Criteria: Invitae Variant Classification Sherloc (09022015). Collection method: clinical testing. Allele origin: germline.
Comment: Advanced modeling of protein sequence and biophysical properties (such as structural, functional, and spatial information, amino acid conservation, physicochemical variation, residue mobility, and thermodynamic stability) performed at Invitae indicates that this missense variant is expected to disrupt STK11 protein function. In summary, the available evidence is currently insufficient to determine the role of this variant in disease. Therefore, it has been classified as a Variant of Uncertain Significance. Algorithms developed to predict the effect of sequence changes on RNA splicing suggest that this variant may create or strengthen a splice site. This variant has not been reported in the literature in individuals affected with STK11-related conditions. This variant is not present in population databases (gnomAD no frequency). This sequence change replaces aspartic acid, which is acidic and polar, with glycine, which is neutral and non-polar, at codon 115 of the STK11 protein (p.Asp115Gly).